The following is an entry in ClinVar:

ClinVar aggregate classification (germline): Likely benign (1 of 4 stars; one submission).

gnomAD v4.1: 4 of 1,536,406 alleles (0.00026%); highest among the groups gnomAD compares: Non-Finnish European, 0.00026%; no homozygotes.

Submission:

CeGaT Center for Human Genetics Tuebingen
Classification: Likely benign. Last evaluated: 2026-03-01. Review status: criteria provided, single submitter. Criteria: CeGaT Center For Human Genetics Tuebingen Variant Classification Criteria Version 2. Collection method: clinical testing. Allele origin: germline. Affected: yes. Observed: 1 variant allele.
Comment: PIEZO2: BP4, BP7

NM_001378183.1(PIEZO2):c.4341C>G (p.Leu1447=)

Gene: PIEZO2 (piezo type mechanosensitive ion channel component 2; minus strand). Cytogenetic location: 18p11.22.
Variant type: single nucleotide variant.
Coding change: c.4341C>G on transcript NM_001378183.1 (MANE Select); coding-DNA position 4341, C replaced by G.
Protein change: p.Leu1447=; no amino-acid change (leucine 1447 retained).
Molecular consequence: synonymous variant.
Genome position (GRCh38, 1-based): chr18:10,748,554, G>C on the plus strand (C>G on the coding strand, the complement: PIEZO2 is on the minus strand). VCF-style: chr18-10748554-G-C. GRCh37 (hg19) VCF-style: chr18-10748552-G-C.
Other names: c.4341C>G, p.Leu1447= (NM_001410871.1); c.4266C>G, p.Leu1422= (NM_022068.4).
Identifiers: ClinVar variation 4822215 (VCV004822215.4).